The following is an entry in ClinVar:

ClinVar aggregate classification (germline): Benign. Review status: criteria provided, multiple submitters, no conflicts (2 of 4 stars). 2 submissions from 2 submitters: Benign (2). Last evaluated 2018-01-13.

Conditions:
Acrodysostosis 2 with or without hormone resistance. Also called: ACRODYSOSTOSIS 2 WITH HORMONE RESISTANCE; ACRODYSOSTOSIS 2 WITHOUT HORMONE RESISTANCE. Identifiers: Orphanet 280651, MedGen C3553250, MONDO:0013822, OMIM 614613.

Allele frequency attached by ClinVar (database versions not stated): TOPMed 0.15648; 1000 Genomes Project 0.16114; gnomAD 0.16144 and 0.16172; 1000 Genomes Project 30x 0.16505.

Submissions (2):

Illumina Laboratory Services, Illumina
Classification: Benign for Acrodysostosis 2 with or without hormone resistance. Last evaluated: 2018-01-13. Review status: criteria provided, single submitter. Criteria: ICSL Variant Classification Criteria 13 December 2019. Collection method: clinical testing. Allele origin: germline.
Comment: This variant was observed in the ICSL laboratory as part of a predisposition screen in an ostensibly healthy population. It had not been previously curated by ICSL or reported in the Human Gene Mutation Database (HGMD: prior to June 1st, 2018), and was therefore a candidate for classification through an automated scoring system. Utilizing variant allele frequency, disease prevalence and penetrance estimates, and inheritance mode, an automated score was calculated to assess if this variant is too frequent to cause the disease. Based on the score and internal cut-off values, a variant classified as benign is not then subjected to further curation. The score for this variant resulted in a classification of benign for this disease.

Breakthrough Genomics
Classification: Benign. Review status: criteria provided, single submitter. Criteria: ACMG Guidelines, 2015. Collection method: not provided. Allele origin: germline. Inheritance: Autosomal dominant inheritance. Affected: yes.

NM_001104631.2(PDE4D):c.*4039G>T

Gene: PDE4D (phosphodiesterase 4D; minus strand). Cytogenetic location: 5q11.2.
Variant type: single nucleotide variant.
Coding change: c.*4039G>T on transcript NM_001104631.2 (MANE Select); 4039 bases downstream of the stop codon, G replaced by T.
Molecular consequence: 3 prime UTR variant.
Genome position (GRCh38, 1-based): chr5:58,970,625, C>A on the plus strand (G>T on the coding strand, the complement: PDE4D is on the minus strand). VCF-style: chr5-58970625-C-A. GRCh37 (hg19) VCF-style: chr5-58266452-C-A.
Other names: c.*4039G>T (NM_001165899.2, NM_001197218.2, NM_001197219.2 and 11 more transcripts).
Identifiers: ClinVar variation 353925 (VCV000353925.6), dbSNP rs10071088, ClinGen allele CA10624805.
Genomic context (GRCh38, chr5:58,970,625, plus strand): 5'-GCAGAAACAAATCTTAGAGGATAGTGAATGCTTTCTGCTATGTAAACTGACATCAACCCA[C>A]CTTTGCGTTTAAATAGATGGGTTTACATATATGTAAGGACATTTGGTTTATCTTAGTGGA-3'